The following is an entry in ClinVar:

NM_000286.3(PEX12):c.847C>T (p.Pro283Ser)

Gene: PEX12 (peroxisomal biogenesis factor 12; minus strand). Cytogenetic location: 17q12.
Variant type: single nucleotide variant.
Coding change: c.847C>T on transcript NM_000286.3 (MANE Select); coding-DNA position 847, C replaced by T.
Protein change: p.Pro283Ser; replaces proline 283 with serine.
Molecular consequence: missense variant.
Genome position (GRCh38, 1-based): chr17:35,576,015, G>A on the plus strand (C>T on the coding strand, the complement: PEX12 is on the minus strand). VCF-style: chr17-35576015-G-A. GRCh37 (hg19) VCF-style: chr17-33903034-G-A.
Other names: short protein forms P283S.
Identifiers: ClinVar variation 1414877 (VCV001414877.5), dbSNP rs753527027, ClinGen allele CA8504834.

ClinVar aggregate classification (germline): Uncertain significance (1 of 4 stars; one submission).

Conditions:
Peroxisome biogenesis disorder 3A (Zellweger). Also called: PEROXISOMAL BIOGENESIS DISORDER 3A (ZELLWEGER); Peroxisome biogenesis disorder 3A. Identifiers: Orphanet 912, MedGen C3553929, MONDO:0013927, OMIM 614859.

Allele frequency attached by ClinVar (database versions not stated): gnomAD exomes below 0.00001 and 0.00001; ExAC 0.00001; gnomAD 0.00001; TOPMed 0.00001.
gnomAD v4.1: 5 of 1,614,084 alleles (0.00031%); highest among the groups gnomAD compares: East Asian, 0.0089%; no homozygotes.

Submission:

Labcorp Genetics (formerly Invitae), Labcorp
Classification: Uncertain significance for Peroxisome biogenesis disorder 3A (Zellweger). Last evaluated: 2022-04-28. Review status: criteria provided, single submitter. Criteria: Invitae Variant Classification Sherloc (09022015). Collection method: clinical testing. Allele origin: germline.
Comment: This sequence change replaces proline, which is neutral and non-polar, with serine, which is neutral and polar, at codon 283 of the PEX12 protein (p.Pro283Ser). This variant is present in population databases (rs753527027, gnomAD 0.02%). This variant has not been reported in the literature in individuals affected with PEX12-related conditions. Algorithms developed to predict the effect of missense changes on protein structure and function are either unavailable or do not agree on the potential impact of this missense change (SIFT: "Tolerated"; PolyPhen-2: "Probably Damaging"; Align-GVGD: "Class C0"). In summary, the available evidence is currently insufficient to determine the role of this variant in disease. Therefore, it has been classified as a Variant of Uncertain Significance.